The following is an entry in ClinVar:

ClinVar aggregate classification (germline): Uncertain significance (1 of 4 stars; one submission).

Conditions:
Hypercholesterolemia, autosomal dominant, 3 (FHCL3). Also called: Familial Hypercholesterolemia, Autosomal Dominant, 3; PCSK9-Related Familial Hypercholesterolemia, Autosomal Dominant; Familial hypercholesterolemia 3. Identifiers: MedGen C1863551, MONDO:0011369, OMIM 603776.

Submission:

All of Us Research Program, National Institutes of Health
Classification: Uncertain significance for Hypercholesterolemia, autosomal dominant, 3. Last evaluated: 2023-08-23. Review status: criteria provided, single submitter. Criteria: ACMG Guidelines, 2015. Collection method: clinical testing. Allele origin: germline. Inheritance: Autosomal dominant inheritance. Observed: 1 variant allele, 1 heterozygote.
Comment: This missense variant replaces serine with threonine at codon 401 of the PCSK9 protein. Computational prediction suggests that this variant may not impact protein structure and function (internally defined REVEL score threshold <= 0.5, PMID: 27666373). To our knowledge, functional studies have not been reported for this variant. This variant has not been reported in individuals affected with PCSK9-related disorders in the literature. This variant has not been identified in the general population by the Genome Aggregation Database (gnomAD). The available evidence is insufficient to determine the role of this variant in disease conclusively. Therefore, this variant is classified as a Variant of Uncertain Significance.

This study involves interpretation of variants in research participants for the purpose of population health screening. Participant phenotype was not available at the time of variant classification. Additional details can be found in publication PMID: 35346344, PMCID: PMC8962531

NM_174936.4(PCSK9):c.1201T>A (p.Ser401Thr)

Gene: PCSK9 (proprotein convertase subtilisin/kexin type 9; plus strand). Cytogenetic location: 1p32.3.
Variant type: single nucleotide variant.
Coding change: c.1201T>A on transcript NM_174936.4 (MANE Select); coding-DNA position 1201, T replaced by A.
Protein change: p.Ser401Thr; replaces serine 401 with threonine.
Molecular consequence: missense variant. On other transcripts: non-coding transcript variant (8), intron variant (2).
Genome position (GRCh38, 1-based): chr1:55,058,056, T>A. VCF-style: chr1-55058056-T-A. GRCh37 (hg19) VCF-style: chr1-55523729-T-A.
Other names: c.1324T>A, p.Ser442Thr (NM_001407240.1); c.1201T>A, p.Ser401Thr (NM_001407241.1); c.1204T>A, p.Ser402Thr (NM_001407242.1); c.1144T>A, p.Ser382Thr (NM_001407243.1); c.1009T>A, p.Ser337Thr (NM_001407245.1); c.826T>A, p.Ser276Thr (NM_001407246.1); c.1181-443T>A (NM_001407244.1); c.1180+542T>A (NM_001407247.1); short protein forms S276T, S337T, S382T, S401T, S402T, S442T.
Identifiers: ClinVar variation 3073130 (VCV003073130.1), dbSNP rs2523258849, ClinGen allele CA340477099.